The following is an entry in ClinVar:

ClinVar aggregate classification (germline): Uncertain significance (0 of 4 stars; one submission).

Conditions:
HSD17B4-related disorder. Also called: HSD17B4-related disorders; HSD17B4-related condition.

gnomAD v4.1: 4 of 1,549,592 alleles (0.00026%); highest among the groups gnomAD compares: Admixed American, 0.0078%; no homozygotes.

Submission:

PreventionGenetics, part of Exact Sciences
Classification: Uncertain significance for HSD17B4-related condition. Last evaluated: 2024-08-02. Review status: no assertion criteria provided. Collection method: clinical testing. Allele origin: germline.
Comment: The HSD17B4 c.32G>T variant is predicted to result in the amino acid substitution p.Arg11Met. To our knowledge, this variant has not been reported in the literature. This variant is reported in 0.012% of alleles in individuals of Latino descent in gnomAD. At this time, the clinical significance of this variant is uncertain due to the absence of conclusive functional and genetic evidence.

NM_000414.4(HSD17B4):c.58+152G>T

Gene: HSD17B4 (hydroxysteroid 17-beta dehydrogenase 4; plus strand). Cytogenetic location: 5q23.1.
Variant type: single nucleotide variant.
Coding change: c.58+152G>T on transcript NM_000414.4 (MANE Select); 152 bases into the intron after coding-DNA position 58, G replaced by T.
Molecular consequence: intron variant. On other transcripts: missense variant (1), 5 prime UTR variant (6), non-coding transcript variant (1).
Genome position (GRCh38, 1-based): chr5:119,452,785, G>T. VCF-style: chr5-119452785-G-T. GRCh37 (hg19) VCF-style: chr5-118788480-G-T.
Other names: c.32G>T, p.Arg11Met (NM_001199291.3); c.-390G>T (NM_001292028.2, NM_001374501.1); c.-324G>T (NM_001374499.1); c.-517G>T (NM_001374500.1); c.-395G>T (NM_001374502.1); c.-460G>T (NM_001374503.1); c.-80+152G>T (NM_001292027.2); c.58+152G>T (NM_001374498.1, NM_001374497.1, NM_001199292.2); short protein forms R11M.
Identifiers: ClinVar variation 3356238 (VCV003356238.1).